The following is an entry in ClinVar:

NM_013352.4(DSE):c.1420G>C (p.Gly474Arg)

Gene: DSE (dermatan sulfate epimerase; plus strand). Cytogenetic location: 6q22.1.
Variant type: single nucleotide variant.
Coding change: c.1420G>C on transcript NM_013352.4 (MANE Select); coding-DNA position 1420, G replaced by C.
Protein change: p.Gly474Arg; replaces glycine 474 with arginine.
Molecular consequence: missense variant. On other transcripts: non-coding transcript variant (1), 3 prime UTR variant (2).
Genome position (GRCh38, 1-based): chr6:116,435,888, G>C. VCF-style: chr6-116435888-G-C. GRCh37 (hg19) VCF-style: chr6-116757051-G-C.
Other names: c.385G>C, p.Gly129Arg (NM_001374521.1); c.1420G>C, p.Gly474Arg (NM_001080976.3, NM_001322937.2, NM_001322938.2); c.1477G>C, p.Gly493Arg (NM_001322939.2); c.859G>C, p.Gly287Arg (NM_001322940.2, NM_001322941.2); c.*285G>C (NM_001322943.2, NM_001322944.2); c.421G>C, p.Gly141Arg (NM_001374520.1); c.1420G>C (NM_013352.2, NM_013352.3); short protein forms G141R, G493R, G129R, G474R, G287R.
Identifiers: ClinVar variation 2983328 (VCV002983328.3), dbSNP rs1245898059, ClinGen allele CA365400486.

ClinVar aggregate classification (germline): Uncertain significance. Review status: criteria provided, multiple submitters, no conflicts (2 of 4 stars). 3 submissions from 3 submitters: Uncertain significance (3). Last evaluated 2025-12-05.

Conditions:
Ehlers-Danlos syndrome, musculocontractural type 2 (EDSMC2). Identifiers: Orphanet 2953, MedGen C3809845, MONDO:0014236, OMIM 615539.
DSE-related disorder. Also called: DSE-related condition.
Inborn genetic diseases. Identifiers: MedGen C0950123, MeSH D030342.

Allele frequency attached by ClinVar (database versions not stated): TOPMed below 0.00001.
gnomAD v4.1: 11 of 1,614,028 alleles (0.00068%); highest among the groups gnomAD compares: Non-Finnish European, 0.00093%; no homozygotes.

Submissions (3):

PreventionGenetics, part of Exact Sciences
Classification: Uncertain significance for DSE-related condition. Last evaluated: 2025-12-05. Review status: criteria provided, single submitter. Criteria: ACMG Guidelines, 2015. Collection method: clinical testing. Allele origin: germline.
Comment: The DSE c.1420G>C variant is predicted to result in the amino acid substitution p.Gly474Arg. To our knowledge, this variant has not been reported in the literature or in a large population database (gnomAD), indicating this variant is rare. At this time, the clinical significance of this variant is uncertain due to the absence of conclusive functional and genetic evidence.

Ambry Genetics
Classification: Uncertain significance for Inborn genetic diseases. Last evaluated: 2024-05-15. Review status: criteria provided, single submitter. Criteria: Ambry Variant Classification Scheme 2023. Collection method: clinical testing. Allele origin: germline.

Labcorp Genetics (formerly Invitae), Labcorp
Classification: Uncertain significance for Ehlers-Danlos syndrome, musculocontractural type 2. Last evaluated: 2023-07-16. Review status: criteria provided, single submitter. Criteria: Invitae Variant Classification Sherloc (09022015). Collection method: clinical testing. Allele origin: germline.
Comment: This sequence change replaces glycine, which is neutral and non-polar, with arginine, which is basic and polar, at codon 474 of the DSE protein (p.Gly474Arg). This variant is not present in population databases (gnomAD no frequency). This variant has not been reported in the literature in individuals affected with DSE-related conditions. Advanced modeling of protein sequence and biophysical properties (such as structural, functional, and spatial information, amino acid conservation, physicochemical variation, residue mobility, and thermodynamic stability) performed at Invitae indicates that this missense variant is expected to disrupt DSE protein function. In summary, the available evidence is currently insufficient to determine the role of this variant in disease. Therefore, it has been classified as a Variant of Uncertain Significance.